The following is an entry in ClinVar:

NM_022168.4(IFIH1):c.1873C>A (p.His625Asn)

Gene: IFIH1 (interferon induced with helicase C domain 1; minus strand). Cytogenetic location: 2q24.2.
Variant type: single nucleotide variant.
Coding change: c.1873C>A on transcript NM_022168.4 (MANE Select); coding-DNA position 1873, C replaced by A.
Protein change: p.His625Asn; replaces histidine 625 with asparagine.
Molecular consequence: missense variant.
Genome position (GRCh38, 1-based): chr2:162,277,586, G>T on the plus strand (C>A on the coding strand, the complement: IFIH1 is on the minus strand). VCF-style: chr2-162277586-G-T. GRCh37 (hg19) VCF-style: chr2-163134096-G-T.
Other names: short protein forms H625N.
Identifiers: ClinVar variation 871826 (VCV000871826.48), dbSNP rs749942019, ClinGen allele CA1934363.

ClinVar aggregate classification (germline): Uncertain significance. Review status: criteria provided, multiple submitters, no conflicts (2 of 4 stars). 3 submissions from 3 submitters: Uncertain significance (3). Last evaluated 2025-04-23.

Conditions:
Singleton-Merten syndrome 1 (SGMRT1). Also called: Widened medullary cavities of bone, aortic calcification, abnormal dentition, and muscular weakness; Syndrome of widened medullary cavities of the metacarpals and phalanges, aortic calcification and abnormal dentition. Identifiers: Orphanet 85191, MedGen C4225427, MONDO:0024535, OMIM 182250.
Aicardi-Goutieres syndrome 7 (AGS7). Identifiers: Orphanet 51, MedGen C3888244, MONDO:0014367, OMIM 615846.

Allele frequency attached by ClinVar (database versions not stated): gnomAD exomes 0.00001; TOPMed 0.00001; ExAC 0.00002; gnomAD 0.00003 and 0.00004.
gnomAD v4.1: 15 of 1,612,048 alleles (0.00093%); highest among the groups gnomAD compares: Middle Eastern, 0.016%; no homozygotes.

Submissions (3):

Labcorp Genetics (formerly Invitae), Labcorp
Classification: Uncertain significance for Aicardi-Goutieres syndrome 7; Singleton-Merten syndrome 1. Last evaluated: 2025-04-23. Review status: criteria provided, single submitter. Criteria: Invitae Variant Classification Sherloc (09022015). Collection method: clinical testing. Allele origin: germline.
Comment: This sequence change replaces histidine, which is basic and polar, with asparagine, which is neutral and polar, at codon 625 of the IFIH1 protein (p.His625Asn). This variant is present in population databases (rs749942019, gnomAD 0.003%). This variant has not been reported in the literature in individuals affected with IFIH1-related conditions. ClinVar contains an entry for this variant (Variation ID: 871826). Invitae Evidence Modeling of protein sequence and biophysical properties (such as structural, functional, and spatial information, amino acid conservation, physicochemical variation, residue mobility, and thermodynamic stability) has been performed for this missense variant. However, the output from this modeling did not meet the statistical confidence thresholds required to predict the impact of this variant on IFIH1 protein function. In summary, the available evidence is currently insufficient to determine the role of this variant in disease. Therefore, it has been classified as a Variant of Uncertain Significance.

Centre of Medical Genetics, University Hospital Muenster
Classification: Uncertain significance. Last evaluated: 2021-12-15. Review status: criteria provided, single submitter. Criteria: ACMG Guidelines, 2015. Collection method: clinical testing. Allele origin: unknown. Affected: yes. Observed: 1 variant allele, 1 heterozygote.
Comment: ACMG categories: PM2,PP3

CeGaT Center for Human Genetics Tuebingen
Classification: Uncertain significance. Last evaluated: 2021-11-01. Review status: criteria provided, single submitter. Criteria: CeGaT Center For Human Genetics Tuebingen Variant Classification Criteria Version 2. Collection method: clinical testing. Allele origin: germline. Affected: yes. Observed: 2 variant alleles.